The following is an entry in ClinVar:

NM_001736.4(C5AR1):c.532C>T (p.Arg178Trp)

Gene: C5AR1 (complement C5a receptor 1; plus strand). Cytogenetic location: 19q13.32.
Variant type: single nucleotide variant.
Coding change: c.532C>T on transcript NM_001736.4 (MANE Select); coding-DNA position 532, C replaced by T.
Protein change: p.Arg178Trp; replaces arginine 178 with tryptophan.
Molecular consequence: missense variant.
Genome position (GRCh38, 1-based): chr19:47,320,309, C>T. VCF-style: chr19-47320309-C-T. GRCh37 (hg19) VCF-style: chr19-47823566-C-T.
Other names: short protein forms R178W.
Identifiers: ClinVar variation 3047971 (VCV003047971.3), dbSNP rs750580655, ClinGen allele CA9537207.

ClinVar aggregate classification (germline): Uncertain significance. Review status: criteria provided, single submitter (1 of 4 stars). 2 submissions from 2 submitters: Uncertain significance (1). 1 of the submissions does not count toward it. Last evaluated 2024-09-20.

Conditions:
C5AR1-related disorder. Also called: C5AR1-related condition.

Allele frequency attached by ClinVar (database versions not stated): gnomAD 0.00002; gnomAD exomes 0.00002; ExAC 0.00004.
gnomAD v4.1: 29 of 1,610,886 alleles (0.0018%); highest among the groups gnomAD compares: Middle Eastern, 0.082%; no homozygotes.

Submissions (2):

Ambry Genetics
Classification: Uncertain significance. Last evaluated: 2024-09-20. Review status: criteria provided, single submitter. Criteria: Ambry Variant Classification Scheme 2023. Collection method: clinical testing. Allele origin: germline.

PreventionGenetics, part of Exact Sciences
Classification: Uncertain significance for C5AR1-related condition. Last evaluated: 2023-12-29. Review status: no assertion criteria provided. Collection method: clinical testing. Allele origin: germline. Not counted in ClinVar's aggregate classification.
Comment: The C5AR1 c.532C>T variant is predicted to result in the amino acid substitution p.Arg178Trp. To our knowledge, this variant has not been reported in the literature. This variant is reported in 0.0065% of alleles in individuals of South Asian descent in gnomAD. At this time, the clinical significance of this variant is uncertain due to the absence of conclusive functional and genetic evidence.